The following is an entry in ClinVar:

NM_001875.5(CPS1):c.1855C>T (p.Gln619Ter)

Gene: CPS1 (carbamoyl-phosphate synthase 1; plus strand). Cytogenetic location: 2q34.
Variant type: single nucleotide variant.
Coding change: c.1855C>T on transcript NM_001875.5 (MANE Select); coding-DNA position 1855, C replaced by T.
Protein change: p.Gln619Ter; replaces glutamine 619 with a stop codon.
Molecular consequence: nonsense. On other transcripts: non-coding transcript variant (2).
Genome position (GRCh38, 1-based): chr2:210,605,120, C>T. VCF-style: chr2-210605120-C-T. GRCh37 (hg19) VCF-style: chr2-211469844-C-T.
Other names: c.1855C>T, p.Gln619Ter (NM_001122633.3, NM_001369257.1); c.1888C>T, p.Gln630Ter (NM_001369256.1); short protein forms Q619*, Q630*.
Identifiers: ClinVar variation 1724729 (VCV001724729.2), dbSNP rs2469163518, ClinGen allele CA350437741.
Genomic context (GRCh38, chr2:210,605,120, plus strand): 5'-GCTTTTTCTTACTCTTTGATATCTTTTGTCACCAATTTCTAGGCCTTTGCTATGACCAAC[C>T]AAATTCTGGTGGAGAAGTCAGTGACAGGTTGGAAAGAAATAGAATATGAAGTGGTTCGAG-3'

ClinVar aggregate classification (germline): Likely pathogenic (1 of 4 stars; one submission).

Conditions:
Congenital hyperammonemia, type I. Also called: Carbamoyl phosphate synthetase 1 deficiency; Hyperammonemia due to carbamoyl phosphate synthetase 1 deficiency; CPS 1 deficiency; Carbamyl phosphate synthetase (CPS) deficiency; CPS I DEFICIENCY; Carbamoyl-phosphate synthase I deficiency. Identifiers: Orphanet 147, MedGen C4082171, MONDO:0009376, OMIM 237300.

Submission:

Myriad Genetics, Inc.
Classification: Likely pathogenic for Congenital hyperammonemia, type I. Last evaluated: 2022-02-25. Review status: criteria provided, single submitter. Criteria: Myriad Women's Health Autosomal Recessive and X-Linked Classification Criteria (2021). Collection method: clinical testing. Allele origin: unknown.
Comment: NM_001875.4(CPS1):c.1855C>T(Q619*) is expected to be pathogenic in the context of carbamoylphosphate synthetase I deficiency. This variant is predicted to lead to an abnormal or absent protein product due to the creation of a premature termination codon in CPS1, a gene where loss-of-function variants are known to be pathogenic. Please note: this variant was assessed in the context of healthy population screening.